The following is an entry in ClinVar:

NM_017534.6(MYH2):c.2725G>T (p.Glu909Ter)

Genes: MYH2 (myosin heavy chain 2; minus strand), MYHAS (myosin heavy chain gene cluster antisense RNA; plus strand). Cytogenetic location: 17p13.1.
Variant type: single nucleotide variant.
Coding change: c.2725G>T on transcript NM_017534.6 (MANE Select); coding-DNA position 2725, G replaced by T.
Protein change: p.Glu909Ter; replaces glutamic acid 909 with a stop codon.
Molecular consequence: nonsense.
Genome position (GRCh38, 1-based): chr17:10,530,047, C>A on the plus strand (G>T on the coding strand, the complement: MYH2 is on the minus strand). VCF-style: chr17-10530047-C-A. GRCh37 (hg19) VCF-style: chr17-10433364-C-A.
Other names: c.2725G>T, p.Glu909Ter (NM_001100112.2); short protein forms E909*.
Identifiers: ClinVar variation 321680 (VCV000321680.18), dbSNP rs780124402, ClinGen allele CA8391068.

ClinVar aggregate classification (germline): Pathogenic/Likely pathogenic. Review status: criteria provided, multiple submitters, no conflicts (2 of 4 stars). 4 submissions from 4 submitters: Pathogenic (3); Likely pathogenic (1). Last evaluated 2026-08-24.

Conditions:
Myopathy, proximal, and ophthalmoplegia (CMYO6). Also called: INCLUSION BODY MYOPATHY 3, AUTOSOMAL DOMINANT; MYOPATHY WITH CONGENITAL JOINT CONTRACTURES, OPHTHALMOPLEGIA, AND RIMMED VACUOLES; CONGENITAL MYOPATHY 6 WITH OPHTHALMOPLEGIA. Identifiers: Orphanet 363677, Orphanet 79091, MedGen C1854106, MONDO:0011577, OMIM 605637.

Allele frequency attached by ClinVar (database versions not stated): ExAC 0.00001; gnomAD exomes 0.00004 and 0.00001; TOPMed 0.00003; gnomAD 0.00002.
gnomAD v4.1: 12 of 1,614,112 alleles (0.00074%); highest among the groups gnomAD compares: Admixed American, 0.018%; no homozygotes.

Submissions (4):

GeneDx
Classification: Pathogenic. Last evaluated: 2026-08-24. Review status: criteria provided, single submitter. Criteria: GeneDx Variant Classification Process June 2021. Collection method: clinical testing. Allele origin: germline.
Comment: Identified in the single heterozygous state in an individual undergoing exome sequencing for population carrier screening (PMID: 34269512); Nonsense variant predicted to result in protein truncation or nonsense mediated decay in a gene for which loss of function is a known mechanism of disease; This variant is associated with the following publications: (PMID: 34269512)

Labcorp Genetics (formerly Invitae), Labcorp
Classification: Pathogenic for Myopathy, proximal, and ophthalmoplegia. Last evaluated: 2024-10-18. Review status: criteria provided, single submitter. Criteria: Invitae Variant Classification Sherloc (09022015). Collection method: clinical testing. Allele origin: germline.
Comment: This sequence change creates a premature translational stop signal (p.Glu909*) in the MYH2 gene. It is expected to result in an absent or disrupted protein product. Loss-of-function variants in MYH2 are known to be pathogenic (PMID: 20418530, 23388406, 24193343). This variant is present in population databases (rs780124402, gnomAD 0.03%). This variant has not been reported in the literature in individuals affected with MYH2-related conditions. ClinVar contains an entry for this variant (Variation ID: 321680). For these reasons, this variant has been classified as Pathogenic.

Dasa
Classification: Likely pathogenic for Myopathy, proximal, and ophthalmoplegia. Last evaluated: 2022-11-03. Review status: criteria provided, single submitter. Criteria: ACMG Guidelines, 2015. Collection method: clinical testing. Allele origin: germline. Observed: 1 variant allele.
Comment: The c.2725G>T;p.(Glu909*) variant creates a premature translational stop signal in the MYH2 gene. It is expected to result in an absent or disrupted protein product - PVS1. The variant is present at low allele frequencies population databases (rs780124402 – gnomAD 0.0001971%; ABraOM no frequency) - PM2_supporting. In summary, the currently available evidence indicates that the variant is likely pathogenic.

Laboratorio de Genetica e Diagnostico Molecular, Hospital Israelita Albert Einstein
Classification: Pathogenic for Myopathy, proximal, and ophthalmoplegia. Last evaluated: 2022-01-18. Review status: criteria provided, single submitter. Criteria: ACMG Guidelines, 2015. Collection method: clinical testing. Allele origin: germline. Affected: yes.
Comment: ACMG classification criteria: PVS1 very strong, PM2 support, PM3 support

Literature cited by the submitters: PubMed 20418530 (cited by Labcorp Genetics (formerly Invitae), Labcorp); PubMed 23388406 (cited by Labcorp Genetics (formerly Invitae), Labcorp); PubMed 24193343 (cited by Labcorp Genetics (formerly Invitae), Labcorp).